The following is an entry in ClinVar:

NM_006329.4(FBLN5):c.659C>A (p.Thr220Asn)

Gene: FBLN5 (fibulin 5; minus strand). Cytogenetic location: 14q32.12.
Variant type: single nucleotide variant.
Coding change: c.659C>A on transcript NM_006329.4 (MANE Select); coding-DNA position 659, C replaced by A.
Protein change: p.Thr220Asn; replaces threonine 220 with asparagine.
Molecular consequence: missense variant.
Genome position (GRCh38, 1-based): chr14:91,887,273, G>T on the plus strand (C>A on the coding strand, the complement: FBLN5 is on the minus strand). VCF-style: chr14-91887273-G-T. GRCh37 (hg19) VCF-style: chr14-92353617-G-T.
Other names: c.782C>A, p.Thr261Asn (NM_001384158.1); c.710C>A, p.Thr237Asn (NM_001384159.1); c.659C>A, p.Thr220Asn (NM_001384160.1); c.491C>A, p.Thr164Asn (NM_001384161.1, NM_001384162.1); short protein forms T261N, T237N, T220N, T164N.
Identifiers: ClinVar variation 1921268 (VCV001921268.5), dbSNP rs768283482, ClinGen allele CA7312766.
Genomic context (GRCh38, chr14:91,887,273, plus strand): 5'-TCCTCAAGTTCATATCCTGGGTCACAGCGGCAGATGAAAGAGCCGTAGGTGTTGACGCAG[G>T]TTTGCACGCAGGGGTTCTCGGTGGCACACTCGTTCACATCTGTGGAAAGCCAAGGCACAT-3'
Protein context (NP_006320.2, residues 210-230): ECATENPCVQ[Thr220Asn]CVNTYGSFIC

ClinVar aggregate classification (germline): Uncertain significance (1 of 4 stars; one submission).

Allele frequency attached by ClinVar (database versions not stated): ExAC 0.00001; gnomAD exomes 0.00001; TOPMed 0.00001.
gnomAD v4.1: 16 of 1,613,296 alleles (0.00099%); highest among the groups gnomAD compares: Admixed American, 0.01%; no homozygotes.

Submission:

Labcorp Genetics (formerly Invitae), Labcorp
Classification: Uncertain significance. Last evaluated: 2025-01-29. Review status: criteria provided, single submitter. Criteria: Invitae Variant Classification Sherloc (09022015). Collection method: clinical testing. Allele origin: germline.
Comment: This sequence change replaces threonine, which is neutral and polar, with asparagine, which is neutral and polar, at codon 220 of the FBLN5 protein (p.Thr220Asn). This variant is present in population databases (rs768283482, gnomAD 0.02%). This variant has not been reported in the literature in individuals affected with FBLN5-related conditions. ClinVar contains an entry for this variant (Variation ID: 1921268). Invitae Evidence Modeling of protein sequence and biophysical properties (such as structural, functional, and spatial information, amino acid conservation, physicochemical variation, residue mobility, and thermodynamic stability) indicates that this missense variant is not expected to disrupt FBLN5 protein function with a negative predictive value of 80%. In summary, the available evidence is currently insufficient to determine the role of this variant in disease. Therefore, it has been classified as a Variant of Uncertain Significance.